The following is an entry in ClinVar:

ClinVar aggregate classification (germline): Pathogenic (1 of 4 stars; one submission).

Conditions:
Intellectual developmental disorder, X-linked 1. Also called: MENTAL RETARDATION, X-LINKED 18; MENTAL RETARDATION, X-LINKED 78; Intellectual disability, X-linked 1; Atkin Flaitz Patil Smith syndrome. Identifiers: Orphanet 777, MedGen C2931498, MONDO:0010656, OMIM 309530.

Submission:

Victorian Clinical Genetics Services, Murdoch Childrens Research Institute
Classification: Pathogenic for Intellectual developmental disorder, X-linked 1. Last evaluated: 2021-05-06. Review status: criteria provided, single submitter. Criteria: ACMG Guidelines, 2015. Collection method: clinical testing. Allele origin: germline. Inheritance: X-linked inheritance. Affected: yes.
Comment: Based on the classification scheme VCGS_Germline_v1.3.4, this variant is classified as Pathogenic. Following criteria are met: 0102 - Loss of function is a known mechanism of disease in this gene and is associated with IQSEQ2-related intellectual disability (MIM# 309530). (I) 0110 - This gene is associated with X-linked disease. Males present with a severe early-onset condition, whereas females have a more variable phenotype, which tends be milder with a later onset, and they can also be asymptomatic carriers (PMID: 30206421). (I) 0201 - Variant is predicted to cause nonsense-mediated decay (NMD) and loss of protein (premature termination codon is located at least 54 nucleotides upstream of the final exon-exon junction). (SP) 0253 - This variant is hemizygous. (I) 0301 - Variant is absent from gnomAD (both v2 and v3). (SP) 0701 - Other NMD-predicted variants comparable to the one identified in this case have very strong previous evidence for pathogenicity. Many other variants shown to result in a loss of function have previously been reported in individuals with IQSEQ2-related intellectual disability (MIM# 309530) (ClinVar, DECIPHER, PMID: 30206421). (SP) 0807 - This variant has no previous evidence of pathogenicity. (I) 0905 - No published segregation evidence has been identified for this variant. (I) 1007 - No published functional evidence has been identified for this variant. (I) 1102 - Strong phenotype match for this individual. (SP) Legend: (SP) - Supporting pathogenic, (I) - Information, (SB) - Supporting benign

Literature cited by the submitters: PubMed 30206421.

NM_001111125.3(IQSEC2):c.1483C>T (p.Gln495Ter)

Gene: IQSEC2 (IQ motif and Sec7 domain ArfGEF 2; minus strand). Cytogenetic location: Xp11.22.
Variant type: single nucleotide variant.
Coding change: c.1483C>T on transcript NM_001111125.3 (MANE Select); coding-DNA position 1483, C replaced by T.
Protein change: p.Gln495Ter; replaces glutamine 495 with a stop codon.
Molecular consequence: nonsense.
Genome position (GRCh38, 1-based): chrX:53,251,093, G>A on the plus strand (C>T on the coding strand, the complement: IQSEC2 is on the minus strand). VCF-style: chrX-53251093-G-A. GRCh37 (hg19) VCF-style: chrX-53280275-G-A.
Other names: c.868C>T, p.Gln290Ter (NM_015075.2); short protein forms Q290*, Q495*.
Identifiers: ClinVar variation 1699072 (VCV001699072.4), dbSNP rs2147103761, ClinGen allele CA413166274.